The following is an entry in ClinVar:

NM_000334.4(SCN4A):c.91C>T (p.Arg31Trp)

Gene: SCN4A (sodium voltage-gated channel alpha subunit 4; minus strand). Cytogenetic location: 17q23.3.
Variant type: single nucleotide variant.
Coding change: c.91C>T on transcript NM_000334.4 (MANE Select); coding-DNA position 91, C replaced by T.
Protein change: p.Arg31Trp; replaces arginine 31 with tryptophan.
Molecular consequence: missense variant.
Genome position (GRCh38, 1-based): chr17:63,972,751, G>A on the plus strand (C>T on the coding strand, the complement: SCN4A is on the minus strand). VCF-style: chr17-63972751-G-A. GRCh37 (hg19) VCF-style: chr17-62050111-G-A.
Other names: short protein forms R31W.
Identifiers: ClinVar variation 1303597 (VCV001303597.11), dbSNP rs756059775, ClinGen allele CA8710291.

ClinVar aggregate classification (germline): Uncertain significance. Review status: criteria provided, multiple submitters, no conflicts (2 of 4 stars). 5 submissions from 5 submitters: Uncertain significance (5). Last evaluated 2025-12-17.

Conditions:
Inborn genetic diseases. Identifiers: MedGen C0950123, MeSH D030342.
Hypokalemic periodic paralysis, type 1. Also called: HypoPP; Hypokalemic Periodic Paralysis Type 1 (AD). Identifiers: Orphanet 681, MedGen C3714580, MONDO:0042979, OMIM 170400.
Potassium-aggravated myotonia. Also called: MYOTONIA CONGENITA, ACETAZOLAMIDE-RESPONSIVE; MYOTONIA CONGENITA, ATYPICAL; SODIUM CHANNEL MUSCLE DISEASE; Myotonia congenita, atypical, acetazolamide-responsive. Identifiers: Orphanet 612, Orphanet 99734, Orphanet 99735, Orphanet 99736, MedGen C2931826, MONDO:0018959, OMIM 608390.
Hypokalemic periodic paralysis, type 2 (HOKPP2). Identifiers: Orphanet 681, MedGen C2750061, MONDO:0013234, OMIM 613345.
Paramyotonia congenita of Von Eulenburg. Also called: PARALYSIS PERIODICA PARAMYOTONICA; Paramyotonia Congenita; Eulenburg disease; Myotonia congenita intermittens; Von Eulenburg paramyotonia congenita. Identifiers: Orphanet 684, MedGen C0221055, MONDO:0008195, OMIM 168300. Disease mechanism: loss of function.
Hyperkalemic periodic paralysis. Also called: Familial hyperkalemic periodic paralysis; Gamstorp disease. Identifiers: Orphanet 682, MedGen C0238357, MONDO:0008224, OMIM 170500, HP:0007215.
Congenital myasthenic syndrome 16. Identifiers: Orphanet 590, MedGen C3280112, MONDO:0013620, OMIM 614198.

Allele frequency attached by ClinVar (database versions not stated): TOPMed 0.00003; ExAC 0.00010; gnomAD 0.00004 and 0.00001; gnomAD exomes 0.00010.

Submissions (5):

Labcorp Genetics (formerly Invitae), Labcorp
Classification: Uncertain significance for Hyperkalemic periodic paralysis. Last evaluated: 2025-12-17. Review status: criteria provided, single submitter. Criteria: Invitae Variant Classification Sherloc (09022015). Collection method: clinical testing. Allele origin: germline.
Comment: This sequence change replaces arginine, which is basic and polar, with tryptophan, which is neutral and slightly polar, at codon 31 of the SCN4A protein (p.Arg31Trp). This variant is present in population databases (rs756059775, gnomAD 0.05%). This variant has not been reported in the literature in individuals affected with SCN4A-related conditions. ClinVar contains an entry for this variant (Variation ID: 1303597). Invitae Evidence Modeling of protein sequence and biophysical properties (such as structural, functional, and spatial information, amino acid conservation, physicochemical variation, residue mobility, and thermodynamic stability) has been performed for this missense variant. However, the output from this modeling did not meet the statistical confidence thresholds required to predict the impact of this variant on SCN4A protein function. In summary, the available evidence is currently insufficient to determine the role of this variant in disease. Therefore, it has been classified as a Variant of Uncertain Significance.

Ambry Genetics
Classification: Uncertain significance for Inborn genetic diseases. Last evaluated: 2025-10-22. Review status: criteria provided, single submitter. Criteria: Ambry Variant Classification Scheme 2023. Collection method: clinical testing. Allele origin: germline.

GeneDx
Classification: Uncertain significance. Last evaluated: 2025-04-18. Review status: criteria provided, single submitter. Criteria: GeneDx Variant Classification Process June 2021. Collection method: clinical testing. Allele origin: germline. Affected: yes.
Comment: Reported as a homozygous variant of uncertain significance in a proband with developmental delay who harbored additional variants in genes possibly related to the phenotype (PMID: 37711075); In silico analysis supports that this missense variant has a deleterious effect on protein structure/function; This variant is associated with the following publications: (PMID: 37711075)

Fulgent Genetics
Classification: Uncertain significance for Paramyotonia congenita of Von Eulenburg; Hypokalemic periodic paralysis, type 1; Hyperkalemic periodic paralysis; Potassium-aggravated myotonia; Hypokalemic periodic paralysis, type 2; Congenital myasthenic syndrome 16. Last evaluated: 2022-05-11. Review status: criteria provided, single submitter. Criteria: ACMG Guidelines, 2015. Collection method: clinical testing. Allele origin: unknown.

Revvity Omics, Revvity
Classification: Uncertain significance. Last evaluated: 2021-03-11. Review status: criteria provided, single submitter. Criteria: ACMG Guidelines, 2015. Collection method: clinical testing. Allele origin: germline.